The following is an entry in ClinVar:

NM_006070.6(TFG):c.565G>A (p.Asp189Asn)

Gene: TFG (trafficking from ER to golgi regulator; plus strand). Cytogenetic location: 3q12.2.
Variant type: single nucleotide variant.
Coding change: c.565G>A on transcript NM_006070.6 (MANE Select); coding-DNA position 565, G replaced by A.
Protein change: p.Asp189Asn; replaces aspartic acid 189 with asparagine.
Molecular consequence: missense variant.
Genome position (GRCh38, 1-based): chr3:100,732,657, G>A. VCF-style: chr3-100732657-G-A. GRCh37 (hg19) VCF-style: chr3-100451501-G-A.
Other names: c.565G>A, p.Asp189Asn (NM_001195479.2, NM_001007565.2, NM_001195478.2); short protein forms D189N.
Identifiers: ClinVar variation 1703081 (VCV001703081.8), dbSNP rs1383802511, ClinGen allele CA353845616.

ClinVar aggregate classification (germline): Uncertain significance. Review status: criteria provided, multiple submitters, no conflicts (2 of 4 stars). 2 submissions from 2 submitters: Uncertain significance (2). Last evaluated 2022-06-01.

Conditions:
Hereditary spastic paraplegia 57. Also called: Spastic paraplegia 57, autosomal recessive. Identifiers: Orphanet 431329, MedGen C3714897, MONDO:0014295, OMIM 615658.
Hereditary motor and sensory neuropathy, Okinawa type (HMSNO). Also called: HEREDITARY MOTOR AND SENSORY NEUROPATHY, PROXIMAL TYPE. Identifiers: Orphanet 90117, MedGen C1858338, MONDO:0011468, OMIM 604484.

Allele frequency attached by ClinVar (database versions not stated): gnomAD exomes below 0.00001; gnomAD 0.00001; TOPMed 0.00001.
gnomAD v4.1: 2 of 1,609,606 alleles (0.00012%); highest among the groups gnomAD compares: Non-Finnish European, 0.00017%; no homozygotes.

Submissions (2):

Greenwood Genetic Center Diagnostic Laboratories, Greenwood Genetic Center
Classification: Uncertain significance. Last evaluated: 2022-06-01. Review status: criteria provided, single submitter. Criteria: ACMG Guidelines, 2015. Collection method: clinical testing. Allele origin: germline. Affected: yes.
Comment: PM2, PP3

Labcorp Genetics (formerly Invitae), Labcorp
Classification: Uncertain significance for Hereditary motor and sensory neuropathy, Okinawa type; Hereditary spastic paraplegia 57. Last evaluated: 2021-12-25. Review status: criteria provided, single submitter. Criteria: Invitae Variant Classification Sherloc (09022015). Collection method: clinical testing. Allele origin: germline.
Comment: This variant is not present in population databases (gnomAD no frequency). This sequence change replaces aspartic acid, which is acidic and polar, with asparagine, which is neutral and polar, at codon 189 of the TFG protein (p.Asp189Asn). This variant has not been reported in the literature in individuals affected with TFG-related conditions. Algorithms developed to predict the effect of missense changes on protein structure and function are either unavailable or do not agree on the potential impact of this missense change (SIFT: "Deleterious"; PolyPhen-2: "Benign"; Align-GVGD: "Class C0"). In summary, the available evidence is currently insufficient to determine the role of this variant in disease. Therefore, it has been classified as a Variant of Uncertain Significance.